The following is an entry in ClinVar:

NM_004974.4(KCNA2):c.928C>A (p.His310Asn)

Gene: KCNA2 (potassium voltage-gated channel subfamily A member 2; minus strand). Cytogenetic location: 1p13.3.
Variant type: single nucleotide variant.
Coding change: c.928C>A on transcript NM_004974.4 (MANE Select); coding-DNA position 928, C replaced by A.
Protein change: p.His310Asn; replaces histidine 310 with asparagine.
Molecular consequence: missense variant. On other transcripts: intron variant (1).
Genome position (GRCh38, 1-based): chr1:110,603,855, G>T on the plus strand (C>A on the coding strand, the complement: KCNA2 is on the minus strand). VCF-style: chr1-110603855-G-T. GRCh37 (hg19) VCF-style: chr1-111146477-G-T.
Other names: c.894+34C>A (NM_001204269.2); short protein forms H310N.
Identifiers: ClinVar variation 4851681 (VCV004851681.1).

ClinVar aggregate classification (germline): Likely pathogenic (1 of 4 stars; one submission).

Conditions:
Developmental and epileptic encephalopathy, 32 (DEE32). Also called: Epileptic encephalopathy, early infantile, 32. Identifiers: Orphanet 442835, MedGen C4225350, MONDO:0014607, OMIM 616366.

Submission:

Greenwood Genetic Center Diagnostic Laboratories, Greenwood Genetic Center
Classification: Likely pathogenic for Developmental and epileptic encephalopathy, 32. Last evaluated: 2025-02-13. Review status: criteria provided, single submitter. Criteria: ACMG Guidelines, 2015. Collection method: clinical testing. Allele origin: germline. Affected: yes.
Comment: PM1, PM2, PM5, PP2, PP3